The following is an entry in ClinVar:

NM_001206927.2(DNAH8):c.12701A>G (p.Glu4234Gly)

Gene: DNAH8 (dynein axonemal heavy chain 8; plus strand). Cytogenetic location: 6p21.2.
Variant type: single nucleotide variant.
Coding change: c.12701A>G on transcript NM_001206927.2 (MANE Select); coding-DNA position 12701, A replaced by G.
Protein change: p.Glu4234Gly; replaces glutamic acid 4234 with glycine.
Molecular consequence: missense variant.
Genome position (GRCh38, 1-based): chr6:38,974,396, A>G. VCF-style: chr6-38974396-A-G. GRCh37 (hg19) VCF-style: chr6-38942172-A-G.
Other names: c.12050A>G, p.Glu4017Gly (NM_001371.4); short protein forms E4234G, E4017G.
Identifiers: ClinVar variation 454544 (VCV000454544.9), dbSNP rs370456053, ClinGen allele CA3791446.

ClinVar aggregate classification (germline): Uncertain significance (1 of 4 stars; one submission).

Conditions:
Primary ciliary dyskinesia. Also called: Ciliary dyskinesia. Identifiers: Orphanet 244, MedGen C0008780, MONDO:0016575, HP:0012265.

Allele frequency attached by ClinVar (database versions not stated): ExAC 0.00001; gnomAD 0.00001; gnomAD exomes 0.00001; TOPMed 0.00001; ESP Exome Variant Server 0.00008.
gnomAD v4.1: 6 of 1,612,660 alleles (0.00037%); highest among the groups gnomAD compares: Non-Finnish European, 0.00051%; no homozygotes.

Submission:

Labcorp Genetics (formerly Invitae), Labcorp
Classification: Uncertain significance for Primary ciliary dyskinesia. Last evaluated: 2017-05-27. Review status: criteria provided, single submitter. Criteria: Invitae Variant Classification Sherloc (09022015). Collection method: clinical testing. Allele origin: germline.
Comment: This sequence change replaces glutamic acid with glycine at codon 4234 of the DNAH8 protein (p.Glu4234Gly). The glutamic acid residue is highly conserved and there is a moderate physicochemical difference between glutamic acid and glycine. This variant is present in population databases (rs370456053, ExAC 0.002%). This variant has not been reported in the literature in individuals with a DNAH8-related disease. Algorithms developed to predict the effect of missense changes on protein structure and function (SIFT, PolyPhen-2, Align-GVGD) all suggest that this variant is likely to be disruptive, but these predictions have not been confirmed by published functional studies and their clinical significance is uncertain. In summary, this variant has uncertain impact on DNAH8 function. The available evidence is currently insufficient to determine its role in disease. Therefore, it has been classified as a Variant of Uncertain Significance.